The following is an entry in ClinVar:

ClinVar aggregate classification (germline): Uncertain significance (1 of 4 stars; one submission).

Conditions:
Arrhythmogenic right ventricular dysplasia 11. Also called: Arrhythmogenic right ventricular dysplasia 11 with mild palmoplantar keratoderma and woolly hair; Arrhythmogenic Right Ventricular Dysplasia/Cardiomyopathy11; ARRHYTHMOGENIC RIGHT VENTRICULAR DYSPLASIA, FAMILIAL, 11. Identifiers: MedGen C1864850, MONDO:0012506, OMIM 610476.

Submission:

Labcorp Genetics (formerly Invitae), Labcorp
Classification: Uncertain significance for Arrhythmogenic right ventricular dysplasia 11. Last evaluated: 2018-09-10. Review status: criteria provided, single submitter. Criteria: Invitae Variant Classification Sherloc (09022015). Collection method: clinical testing. Allele origin: germline.
Comment: In summary, the available evidence is currently insufficient to determine the role of this variant in disease. Therefore, it has been classified as a Variant of Uncertain Significance. Algorithms developed to predict the effect of missense changes on protein structure and function output the following: SIFT: "Tolerated"; PolyPhen-2: "Benign"; Align-GVGD: "Class C0". The threonine amino acid residue is found in multiple mammalian species, suggesting that this missense change does not adversely affect protein function. These predictions have not been confirmed by published functional studies and their clinical significance is uncertain. This variant has not been reported in the literature in individuals with DSC2-related disease. This variant is not present in population databases (ExAC no frequency). This sequence change replaces isoleucine with threonine at codon 212 of the DSC2 protein (p.Ile212Thr). The isoleucine residue is moderately conserved and there is a moderate physicochemical difference between isoleucine and threonine.

NM_024422.6(DSC2):c.635T>C (p.Ile212Thr)

Gene: DSC2 (desmocollin 2; minus strand). Cytogenetic location: 18q12.1.
Variant type: single nucleotide variant.
Coding change: c.635T>C on transcript NM_024422.6 (MANE Select); coding-DNA position 635, T replaced by C.
Protein change: p.Ile212Thr; replaces isoleucine 212 with threonine.
Molecular consequence: missense variant.
Genome position (GRCh38, 1-based): chr18:31,087,809, A>G on the plus strand (T>C on the coding strand, the complement: DSC2 is on the minus strand). VCF-style: chr18-31087809-A-G. GRCh37 (hg19) VCF-style: chr18-28667772-A-G.
Other names: c.635T>C, p.Ile212Thr (NM_004949.5); short protein forms I212T.
Identifiers: ClinVar variation 664940 (VCV000664940.8), dbSNP rs1598587612, ClinGen allele CA402113150.